The following is an entry in ClinVar:

ClinVar aggregate classification (germline): Likely benign (1 of 4 stars; one submission).

Submission:

CeGaT Center for Human Genetics Tuebingen
Classification: Likely benign. Last evaluated: 2024-11-01. Review status: criteria provided, single submitter. Criteria: CeGaT Center For Human Genetics Tuebingen Variant Classification Criteria Version 2. Collection method: clinical testing. Allele origin: germline. Affected: yes. Observed: 1 variant allele.
Comment: MUC2: BP4, BP7

NM_002457.5(MUC2):c.14097C>T (p.Leu4699=)

Gene: MUC2 (mucin 2, oligomeric mucus/gel-forming; plus strand). Cytogenetic location: 11p15.5.
Variant type: single nucleotide variant.
Coding change: c.14097C>T on transcript NM_002457.5 (MANE Select); coding-DNA position 14097, C replaced by T.
Protein change: p.Leu4699=; no amino-acid change (leucine 4699 retained).
Molecular consequence: synonymous variant.
Genome position (GRCh38, 1-based): chr11:1,104,880, C>T. VCF-style: chr11-1104880-C-T. GRCh37 (hg19) VCF-style: chr11-1098788-C-T.
Identifiers: ClinVar variation 3389040 (VCV003389040.14).